The following is an entry in ClinVar:

NM_000138.5(FBN1):c.2375G>A (p.Cys792Tyr)

Gene: FBN1 (fibrillin 1; minus strand). Cytogenetic location: 15q21.1.
Variant type: single nucleotide variant.
Coding change: c.2375G>A on transcript NM_000138.5 (MANE Select); coding-DNA position 2375, G replaced by A.
Protein change: p.Cys792Tyr; replaces cysteine 792 with tyrosine.
Molecular consequence: missense variant.
Genome position (GRCh38, 1-based): chr15:48,496,144, C>T on the plus strand (G>A on the coding strand, the complement: FBN1 is on the minus strand). VCF-style: chr15-48496144-C-T. GRCh37 (hg19) VCF-style: chr15-48788341-C-T.
Other names: short protein forms C792Y.
Identifiers: ClinVar variation 960384 (VCV000960384.10), dbSNP rs886038984, ClinGen allele CA392335383.

ClinVar aggregate classification (germline): Pathogenic/Likely pathogenic. Review status: criteria provided, multiple submitters, no conflicts (2 of 4 stars). 2 submissions from 2 submitters: Pathogenic (1); Likely pathogenic (1). Last evaluated 2025-12-28.

Conditions:
Marfan syndrome (MFS). Also called: FBN1-Related Marfan Syndrome; MARFAN SYNDROME, TYPE I; Marfan syndrome type 1; Marfan's syndrome; Marfan syndrome, classic. Identifiers: Orphanet 284963, Orphanet 558, MedGen C0024796, MONDO:0007947, OMIM 154700.
Familial thoracic aortic aneurysm and aortic dissection (TAAD). Also called: Thoracic aortic aneurysms and dissections. Identifiers: Orphanet 91387, MedGen C4707243, MONDO:0019625.

Submissions (2):

Labcorp Genetics (formerly Invitae), Labcorp
Classification: Pathogenic for Marfan syndrome; Familial thoracic aortic aneurysm and aortic dissection. Last evaluated: 2025-12-28. Review status: criteria provided, single submitter. Criteria: Invitae Variant Classification Sherloc (09022015). Collection method: clinical testing. Allele origin: germline.
Comment: This sequence change replaces cysteine, which is neutral and slightly polar, with tyrosine, which is neutral and polar, at codon 792 of the FBN1 protein (p.Cys792Tyr). This variant is not present in population databases (gnomAD no frequency). This missense change has been observed in individuals with Marfan syndrome (PMID: 27906200, 29357934). ClinVar contains an entry for this variant (Variation ID: 960384). Invitae Evidence Modeling of protein sequence and biophysical properties (such as structural, functional, and spatial information, amino acid conservation, physicochemical variation, residue mobility, and thermodynamic stability) indicates that this missense variant is expected to disrupt FBN1 protein function with a positive predictive value of 95%. This variant affects a cysteine residue in the EGF-like, TGFBP or hybrid motif domains of FBN1. Cysteine residues are believed to be involved in intramolecular disulfide bridges and have been shown to be important for FBN1 protein structure (PMID: 16905551, 19349279). In addition, missense substitutions affecting cysteine residues within these domains are significantly overrepresented among patients with Marfan syndrome (PMID: 16571647, 17701892). For these reasons, this variant has been classified as Pathogenic.

GeneDx
Classification: Likely pathogenic. Last evaluated: 2023-11-09. Review status: criteria provided, single submitter. Criteria: GeneDx Variant Classification Process June 2021. Collection method: clinical testing. Allele origin: germline. Affected: yes.
Comment: Not observed at significant frequency in large population cohorts (gnomAD); In silico analysis supports that this missense variant has a deleterious effect on protein structure/function; Affects a cysteine residue within a calcium-binding EGF-like domain of the FBN1 gene, which may affect disulfide bonding and is predicted to alter the structure and function of the protein; cysteine substitutions in the calcium-binding EGF-like domains represent the majority of pathogenic missense changes associated with FBN1-related disorders (PMID: 12938084); This variant is associated with the following publications: (PMID: 27906200, 16222657, 29357934, 12938084)

Literature cited by the submitters: PubMed 27906200 (cited by Labcorp Genetics (formerly Invitae), Labcorp); PubMed 29357934 (cited by Labcorp Genetics (formerly Invitae), Labcorp); PubMed 16905551 (cited by Labcorp Genetics (formerly Invitae), Labcorp); PubMed 19349279 (cited by Labcorp Genetics (formerly Invitae), Labcorp); PubMed 16571647 (cited by Labcorp Genetics (formerly Invitae), Labcorp); PubMed 17701892 (cited by Labcorp Genetics (formerly Invitae), Labcorp).